The following is an entry in ClinVar:

ClinVar aggregate classification (germline): Uncertain significance (1 of 4 stars; one submission).

Conditions:
Alagille syndrome due to a JAG1 point mutation. Also called: HEPATIC DUCTULAR HYPOPLASIA, SYNDROMATIC; JAG1-Related Alagille Syndrome; Alagille Syndrome 1. Identifiers: Orphanet 261619, Orphanet 52, MedGen C1956125, MONDO:0016862, OMIM 118450.

Submission:

Labcorp Genetics (formerly Invitae), Labcorp
Classification: Uncertain significance for Alagille syndrome due to a JAG1 point mutation. Last evaluated: 2025-11-23. Review status: criteria provided, single submitter. Criteria: Invitae Variant Classification Sherloc (09022015). Collection method: clinical testing. Allele origin: germline.
Comment: This sequence change falls in intron 22 of the JAG1 gene. It does not directly change the encoded amino acid sequence of the JAG1 protein. It affects a nucleotide within the consensus splice site. This variant is not present in population databases (gnomAD no frequency). This variant has not been reported in the literature in individuals affected with JAG1-related conditions. Variants that disrupt the consensus splice site are a relatively common cause of aberrant splicing (PMID: 17576681, 9536098). Algorithms developed to predict the effect of sequence changes on RNA splicing suggest that this variant is not likely to affect RNA splicing. In summary, the available evidence is currently insufficient to determine the role of this variant in disease. Therefore, it has been classified as a Variant of Uncertain Significance.

Literature cited by the submitters: PubMed 17576681; PubMed 9536098.

NM_000214.3(JAG1):c.2683-3C>T

Gene: JAG1 (jagged canonical Notch ligand 1; minus strand). Cytogenetic location: 20p12.2.
Variant type: single nucleotide variant.
Coding change: c.2683-3C>T on transcript NM_000214.3 (MANE Select); 3 bases into the intron before coding-DNA position 2683, C replaced by T.
Molecular consequence: intron variant.
Genome position (GRCh38, 1-based): chr20:10,641,696, G>A on the plus strand (C>T on the coding strand, the complement: JAG1 is on the minus strand). VCF-style: chr20-10641696-G-A. GRCh37 (hg19) VCF-style: chr20-10622344-G-A.
Identifiers: ClinVar variation 4738597 (VCV004738597.1).